The following is an entry in ClinVar:

NM_001042492.3(NF1):c.6898_6899insTA (p.Lys2300fs)

Gene: NF1 (neurofibromin 1; plus strand). Cytogenetic location: 17q11.2.
Variant type: Insertion.
Coding change: c.6898_6899insTA on transcript NM_001042492.3 (MANE Select); coding-DNA positions 6898 to 6899, TA inserted.
Protein change: p.Lys2300fs; shifts the reading frame from lysine 2300.
Molecular consequence: frameshift variant.
Genome position: GRCh38 VCF-style: chr17-31338781-C-CAT. GRCh37 (hg19) VCF-style: chr17-29665799-C-CAT.
Other names: c.6835_6836insTA, p.Lys2279fs (NM_000267.4); short protein forms K2279fs, K2300fs.
Identifiers: ClinVar variation 4759301 (VCV004759301.1).

ClinVar aggregate classification (germline): Likely pathogenic (1 of 4 stars; one submission).

Conditions:
Neurofibromatosis, type 1 (NF1). Also called: VON RECKLINGHAUSEN DISEASE; Neurofibromatosis, type I; NEUROFIBROMATOSIS, TYPE I, SOMATIC; Peripheral type neurofibromatosis. Identifiers: Orphanet 636, MedGen C0027831, MONDO:0018975, OMIM 162200. Disease mechanism: loss of function.

Submission:

Institute for Genomic Medicine (IGM) Clinical Laboratory, Nationwide Children's Hospital
Classification: Likely pathogenic for Neurofibromatosis, type 1. Last evaluated: 2025-05-12. Review status: criteria provided, single submitter. Criteria: ACMG Guidelines, 2015. Collection method: clinical testing. Allele origin: germline.
Comment: This variant is predicted to result in loss of function through nonsense-mediated decay of the encoded transcript or premature truncation of the encoded protein in a gene in which loss of function is a known mechanism of disease (ACMG/AMP: PVS1; PMIDs:9783703, 10712197, 10862084, 16835897, 16944272). This variant is absent from or present at an exceedingly low frequency in gnomAD, a large-scale control population database (ACMG/AMP: PM2).

Literature cited by the submitters: PubMed 9783703; PubMed 10712197; PubMed 10862084; PubMed 16835897; PubMed 16944272.